The following is an entry in ClinVar:

ClinVar aggregate classification (germline): Uncertain significance. Review status: criteria provided, multiple submitters, no conflicts (2 of 4 stars). 2 submissions from 2 submitters: Uncertain significance (2). Last evaluated 2025-11-19.

Conditions:
Immunodeficiency, common variable, 10. Also called: IMMUNODEFICIENCY, COMMON VARIABLE, WITH CENTRAL ADRENAL INSUFFICIENCY; DEFICIT IN ANTERIOR PITUITARY FUNCTION AND VARIABLE IMMUNODEFICIENCY. Identifiers: MedGen C3809991, MONDO:0014260, OMIM 615577.

Allele frequency attached by ClinVar (database versions not stated): gnomAD 0.00001; TOPMed 0.00001; gnomAD exomes below 0.00001; ExAC 0.00001.

Submissions (2):

Labcorp Genetics (formerly Invitae), Labcorp
Classification: Uncertain significance for Immunodeficiency, common variable, 10. Last evaluated: 2025-11-19. Review status: criteria provided, single submitter. Criteria: Invitae Variant Classification Sherloc (09022015). Collection method: clinical testing. Allele origin: germline.
Comment: This sequence change replaces alanine, which is neutral and non-polar, with threonine, which is neutral and polar, at codon 121 of the NFKB2 protein (p.Ala121Thr). This variant is present in population databases (rs781738940, gnomAD 0.0009%). This variant has not been reported in the literature in individuals affected with NFKB2-related conditions. ClinVar contains an entry for this variant (Variation ID: 2722153). An algorithm developed to predict the effect of missense changes on protein structure and function outputs the following: PolyPhen-2: "Benign". The threonine amino acid residue is found in multiple mammalian species, which suggests that this missense change does not adversely affect protein function. In summary, the available evidence is currently insufficient to determine the role of this variant in disease. Therefore, it has been classified as a Variant of Uncertain Significance.

Neuberg Centre For Genomic Medicine, NCGM
Classification: Uncertain significance for Immunodeficiency, common variable, 10. Last evaluated: 2024-02-01. Review status: criteria provided, single submitter. Criteria: ACMG Guidelines, 2015. Collection method: clinical testing. Allele origin: germline. Inheritance: Autosomal dominant inheritance.
Comment: The missense c.361G>A (p.Ala121Thr) variant in NFKB2 gene has not been reported previously as a pathogenic variant nor as a benign variant, to our knowledge.

NM_001322934.2(NFKB2):c.361G>A (p.Ala121Thr)

Gene: NFKB2 (nuclear factor kappa B subunit 2; plus strand). Cytogenetic location: 10q24.32.
Variant type: single nucleotide variant.
Coding change: c.361G>A on transcript NM_001322934.2 (MANE Select); coding-DNA position 361, G replaced by A.
Protein change: p.Ala121Thr; replaces alanine 121 with threonine.
Molecular consequence: missense variant.
Genome position (GRCh38, 1-based): chr10:102,397,021, G>A. VCF-style: chr10-102397021-G-A. GRCh37 (hg19) VCF-style: chr10-104156778-G-A.
Other names: c.361G>A, p.Ala121Thr (NM_001077493.1, NM_001077494.3, NM_001261403.3 and 3 more transcripts); short protein forms A121T.
Identifiers: ClinVar variation 2722153 (VCV002722153.4), dbSNP rs781738940, ClinGen allele CA5664511.